The following is an entry in ClinVar:

NM_000142.5(FGFR3):c.1718C>T (p.Pro573Leu)

Gene: FGFR3 (fibroblast growth factor receptor 3; plus strand). Cytogenetic location: 4p16.3.
Variant type: single nucleotide variant.
Coding change: c.1718C>T on transcript NM_000142.5 (MANE Select); coding-DNA position 1718, C replaced by T.
Protein change: p.Pro573Leu; replaces proline 573 with leucine.
Molecular consequence: missense variant. On other transcripts: non-coding transcript variant (1).
Genome position (GRCh38, 1-based): chr4:1,805,822, C>T. VCF-style: chr4-1805822-C-T. GRCh37 (hg19) VCF-style: chr4-1807549-C-T.
Other names: c.1724C>T, p.Pro575Leu (NM_001163213.2); c.1721C>T, p.Pro574Leu (NM_001354809.2, NM_001354810.2); c.1382C>T, p.Pro461Leu (NM_022965.4); short protein forms P461L, P573L, P574L, P575L.
Identifiers: ClinVar variation 1691355 (VCV001691355.5), dbSNP rs745848425, ClinGen allele CA2810552.

ClinVar aggregate classification (germline): Uncertain significance. Review status: criteria provided, multiple submitters, no conflicts (2 of 4 stars). 4 submissions from 4 submitters: Uncertain significance (4). Last evaluated 2026-06-03.

Conditions:
Malignant tumor of urinary bladder. Also called: Urinary Bladder Neoplasms; Bladder cancer; Urinary bladder cancer. Identifiers: MedGen C0005684, MONDO:0001187, OMIM 109800.
Crouzon syndrome-acanthosis nigricans syndrome. Also called: CROUZONODERMOSKELETAL SYNDROME. Identifiers: Orphanet 93262, MedGen C2677099, MONDO:0012833, OMIM 612247.
Muenke syndrome (MNKES). Also called: MUENKE NONSYNDROMIC CORONAL CRANIOSYNOSTOSIS. Identifiers: Orphanet 53271, MedGen C1864436, MONDO:0011274, OMIM 602849.
Levy-Hollister syndrome (LADD). Also called: LADD syndrome. Identifiers: Orphanet 2363, MedGen C0265269, MONDO:0007872.
Cervical cancer. Also called: Cervix cancer; Cervical cancer, somatic; Cancer of cervix. Identifiers: MedGen C4048328, MONDO:0002974, OMIM 603956, HP:0030079.
Hypochondroplasia (HCH). Identifiers: Orphanet 429, MedGen C0410529, MONDO:0007793, OMIM 146000. Disease mechanism: gain of function.
Colorectal cancer. Also called: Colorectal cancer, somatic; Malignant Colorectal Neoplasm. Identifiers: MedGen C0346629, MONDO:0005575, OMIM 114500.
Achondroplasia (ACH). Also called: Achondroplastic dwarfism. Identifiers: Orphanet 15, MedGen C0001080, MONDO:0007037, OMIM 100800. Disease mechanism: gain of function.
Camptodactyly-tall stature-scoliosis-hearing loss syndrome. Also called: CATSHL SYNDROME. Identifiers: Orphanet 85164, MedGen C1864852, MONDO:0012504, OMIM 610474.
Thanatophoric dysplasia type 1 (TD1). Also called: PLATYSPONDYLIC LETHAL SKELETAL DYSPLASIA, SAN DIEGO TYPE; LETHAL SHORT-LIMBED PLATYSPONDYLIC DWARFISM, SAN DIEGO TYPE; Thanatophoric Dysplasia Type 1 (TD Type 1). Identifiers: Orphanet 1860, Orphanet 2655, MedGen C1868678, MONDO:0008546, OMIM 187600. Disease mechanism: gain of function.
Severe achondroplasia-developmental delay-acanthosis nigricans syndrome. Also called: Severe achondroplasia with developmental delay and acanthosis nigricans; SADDAN dysplasia. Identifiers: Orphanet 85165, MedGen C2674173, MONDO:0014658, OMIM 616482.
Germ cell tumor of testis (TGCT). Also called: GERM CELL TUMOR, SOMATIC; Testicular germ cell tumor. Identifiers: Orphanet 363504, MedGen C1336708, MONDO:0010108, OMIM 273300.
Epidermal nevus. Also called: NEVUS, KERATINOCYTIC, NONEPIDERMOLYTIC; Nevus, epidermal, somatic. Identifiers: Orphanet 79414, MedGen C0334082, MONDO:0008093, OMIM 162900, HP:0010816.
Thanatophoric dysplasia, type 2 (TD2). Also called: CLOVERLEAF SKULL WITH THANATOPHORIC DWARFISM; THANATOPHORIC DYSPLASIA WITH KLEEBLATTSCHAEDEL; THANATOPHORIC DYSPLASIA WITH STRAIGHT FEMURS AND CLOVERLEAF SKULL; Thanatophoric Dysplasia Type 2 (TD Type 2). Identifiers: Orphanet 2655, Orphanet 93274, MedGen C1300257, MONDO:0008547, OMIM 187601. Disease mechanism: gain of function.

Allele frequency attached by ClinVar (database versions not stated): TOPMed 0.00002; gnomAD 0.00003; gnomAD exomes 0.00003.
gnomAD v4.1: 48 of 1,612,228 alleles (0.003%); highest among the groups gnomAD compares: Non-Finnish European, 0.0039%; no homozygotes.

Submissions (4):

Women's Health and Genetics/Laboratory Corporation of America, LabCorp
Classification: Uncertain significance. Last evaluated: 2026-06-03. Review status: criteria provided, single submitter. Criteria: LabCorp Variant Classification Summary - May 2015. Collection method: clinical testing. Allele origin: germline.
Comment: Variant summary: FGFR3 c.1718C>T (p.Pro573Leu) results in a non-conservative amino acid change in the encoded protein sequence. Algorithms developed to predict the effect of missense changes on protein structure and function all suggest that this variant is likely to be disruptive. The variant was absent in 245160 control chromosomes. The available data on variant occurrences in the general population are insufficient to allow any conclusion about variant significance. To our knowledge, no occurrence of c.1718C>T in individuals affected with FGFR3-related conditions and no experimental evidence demonstrating its impact on protein function have been reported. ClinVar contains an entry for this variant (Variation ID: 1691355). Based on the evidence outlined above, the variant was classified as uncertain significance.

Labcorp Genetics (formerly Invitae), Labcorp
Classification: Uncertain significance. Last evaluated: 2025-03-27. Review status: criteria provided, single submitter. Criteria: Invitae Variant Classification Sherloc (09022015). Collection method: clinical testing. Allele origin: germline.
Comment: This sequence change replaces proline, which is neutral and non-polar, with leucine, which is neutral and non-polar, at codon 573 of the FGFR3 protein (p.Pro573Leu). This variant is present in population databases (rs745848425, gnomAD 0.007%). This variant has not been reported in the literature in individuals affected with FGFR3-related conditions. ClinVar contains an entry for this variant (Variation ID: 1691355). Invitae Evidence Modeling of protein sequence and biophysical properties (such as structural, functional, and spatial information, amino acid conservation, physicochemical variation, residue mobility, and thermodynamic stability) has been performed for this missense variant. However, the output from this modeling did not meet the statistical confidence thresholds required to predict the impact of this variant on FGFR3 protein function. In summary, the available evidence is currently insufficient to determine the role of this variant in disease. Therefore, it has been classified as a Variant of Uncertain Significance.

Fulgent Genetics
Classification: Uncertain significance for Achondroplasia; Malignant tumor of urinary bladder; Colorectal cancer; Hypochondroplasia; LADD syndrome 1; Epidermal nevus; Thanatophoric dysplasia type 1; Thanatophoric dysplasia, type 2; Germ cell tumor of testis; Muenke syndrome; Cervical cancer; Camptodactyly-tall stature-scoliosis-hearing loss syndrome; Crouzon syndrome-acanthosis nigricans syndrome; Severe achondroplasia-developmental delay-acanthosis nigricans syndrome. Last evaluated: 2021-12-15. Review status: criteria provided, single submitter. Criteria: ACMG Guidelines, 2015. Collection method: clinical testing. Allele origin: unknown.

Seattle Children's Hospital Molecular Genetics Laboratory, Seattle Children's Hospital
Classification: Uncertain significance. Last evaluated: 2021-10-25. Review status: criteria provided, single submitter. Criteria: ACMG Guidelines, 2015. Collection method: clinical testing. Allele origin: germline. Affected: yes.
Comment: This variant has been submitted to one database with conflicting interpretations of pathogenicity (classified as likely benign and variant of uncertain significance, Leiden Open Variation Database v.3.0). It has been found at a very low frequency in large population studies (1 of 31,316 alleles, Ref 2). The majority of in silico tools predict that the p.Pro573Leu change is damaging. This position is in the protein kinase domain of the protein, in which most missense variants are predicted to disrupt function of FGFR3 (Uniprot).